The following is an entry in ClinVar:

NM_001123385.2(BCOR):c.5014A>G (p.Lys1672Glu)

Gene: BCOR (BCL6 corepressor; minus strand). Cytogenetic location: Xp11.4.
Variant type: single nucleotide variant.
Coding change: c.5014A>G on transcript NM_001123385.2 (MANE Select); coding-DNA position 5014, A replaced by G.
Protein change: p.Lys1672Glu; replaces lysine 1672 with glutamic acid.
Molecular consequence: missense variant.
Genome position (GRCh38, 1-based): chrX:40,052,363, T>C on the plus strand (A>G on the coding strand, the complement: BCOR is on the minus strand). VCF-style: chrX-40052363-T-C. GRCh37 (hg19) VCF-style: chrX-39911616-T-C.
Other names: c.4912A>G, p.Lys1638Glu (NM_001123383.2, NM_017745.6); c.4858A>G, p.Lys1620Glu (NM_001123384.2); short protein forms K1620E, K1638E, K1672E.
Identifiers: ClinVar variation 3032039 (VCV003032039.2), dbSNP rs1223567941, ClinGen allele CA412732926.
Genomic context (GRCh38, chrX:40,052,363, plus strand): 5'-TGGTGACAATTTCCACGTTTGGAAAATTGCAGCGAAATATGCGGGAGGACATTTTCAATT[T>C]CTTAAGGACATCCGAAAGCAGTAGCCAGTTTCGTGGCCTACAAAACAGAAAGGAAAATGC-3'
Protein context (NP_001116857.1, residues 1662-1682): NWLLLSDVLK[Lys1672Glu]LKMSSRIFRC

ClinVar aggregate classification (germline): Uncertain significance (0 of 4 stars; one submission).

Conditions:
BCOR-related disorder. Also called: BCOR-related disorders; BCOR-related condition.

Allele frequency attached by ClinVar (database versions not stated): gnomAD exomes below 0.00001; TOPMed 0.00002; gnomAD 0.00002.
gnomAD v4.1: 3 of 1,209,275 alleles (0.00025%); highest among the groups gnomAD compares: African/African-American, 0.0053%; no homozygotes.

Submission:

PreventionGenetics, part of Exact Sciences
Classification: Uncertain significance for BCOR-related condition. Last evaluated: 2024-01-21. Review status: no assertion criteria provided. Collection method: clinical testing. Allele origin: germline.
Comment: The BCOR c.4912A>G variant is predicted to result in the amino acid substitution p.Lys1638Glu. To our knowledge, this variant has not been reported in the literature or in a large population database, indicating this variant is rare. At this time, the clinical significance of this variant is uncertain due to the absence of conclusive functional and genetic evidence.